The following is an entry in ClinVar:

ClinVar aggregate classification (germline): Uncertain significance (1 of 4 stars; one submission).

gnomAD v4.1: 3 of 1,610,786 alleles (0.00019%); highest among the groups gnomAD compares: South Asian, 0.0022%; no homozygotes.

Submission:

Labcorp Genetics (formerly Invitae), Labcorp
Classification: Uncertain significance. Last evaluated: 2024-12-08. Review status: criteria provided, single submitter. Criteria: Invitae Variant Classification Sherloc (09022015). Collection method: clinical testing. Allele origin: germline.
Comment: This sequence change replaces isoleucine, which is neutral and non-polar, with threonine, which is neutral and polar, at codon 159 of the GATAD2B protein (p.Ile159Thr). This variant is present in population databases (rs570114354, gnomAD 0.006%). This variant has not been reported in the literature in individuals affected with GATAD2B-related conditions. Invitae Evidence Modeling of protein sequence and biophysical properties (such as structural, functional, and spatial information, amino acid conservation, physicochemical variation, residue mobility, and thermodynamic stability) indicates that this missense variant is not expected to disrupt GATAD2B protein function with a negative predictive value of 80%. In summary, the available evidence is currently insufficient to determine the role of this variant in disease. Therefore, it has been classified as a Variant of Uncertain Significance.

NM_020699.4(GATAD2B):c.476T>C (p.Ile159Thr)

Gene: GATAD2B (GATA zinc finger domain containing 2B; minus strand). Cytogenetic location: 1q21.3.
Variant type: single nucleotide variant.
Coding change: c.476T>C on transcript NM_020699.4 (MANE Select); coding-DNA position 476, T replaced by C.
Protein change: p.Ile159Thr; replaces isoleucine 159 with threonine.
Molecular consequence: missense variant.
Genome position (GRCh38, 1-based): chr1:153,818,912, A>G on the plus strand (T>C on the coding strand, the complement: GATAD2B is on the minus strand). VCF-style: chr1-153818912-A-G. GRCh37 (hg19) VCF-style: chr1-153791388-A-G.
Other names: short protein forms I159T.
Identifiers: ClinVar variation 3622690 (VCV003622690.2).